The following is an entry in ClinVar:

ClinVar aggregate classification (germline): Uncertain significance. Review status: criteria provided, multiple submitters, no conflicts (2 of 4 stars). 3 submissions from 3 submitters: Uncertain significance (3). Last evaluated 2026-04-05.

Conditions:
MAGEL2-related disorder. Also called: MAGEL2-related condition.
Inborn genetic diseases. Identifiers: MedGen C0950123, MeSH D030342.

Allele frequency attached by ClinVar (database versions not stated): gnomAD 0.00007.

Submissions (3):

PreventionGenetics, part of Exact Sciences
Classification: Uncertain significance for MAGEL2-related condition. Last evaluated: 2026-04-05. Review status: criteria provided, single submitter. Criteria: ACMG Guidelines, 2015. Collection method: clinical testing. Allele origin: germline.
Comment: The MAGEL2 c.674C>G variant is predicted to result in the amino acid substitution p.Pro225Arg. To our knowledge, this variant has not been reported in the literature. This variant is reported in 0.011% of alleles in individuals of African descent in gnomAD. Although we suspect that this variant may be benign, at this time, the clinical significance of this variant is uncertain due to the absence of conclusive functional and genetic evidence.

Labcorp Genetics (formerly Invitae), Labcorp
Classification: Uncertain significance. Last evaluated: 2024-10-13. Review status: criteria provided, single submitter. Criteria: Invitae Variant Classification Sherloc (09022015). Collection method: clinical testing. Allele origin: germline.
Comment: This sequence change replaces proline, which is neutral and non-polar, with arginine, which is basic and polar, at codon 225 of the MAGEL2 protein (p.Pro225Arg). This variant is present in population databases (no rsID available, gnomAD 0.01%). This variant has not been reported in the literature in individuals affected with MAGEL2-related conditions. ClinVar contains an entry for this variant (Variation ID: 2372167). Experimental studies and prediction algorithms are not available or were not evaluated, and the functional significance of this variant is currently unknown. In summary, the available evidence is currently insufficient to determine the role of this variant in disease. Therefore, it has been classified as a Variant of Uncertain Significance.

Ambry Genetics
Classification: Uncertain significance for Inborn genetic diseases. Last evaluated: 2022-04-18. Review status: criteria provided, single submitter. Criteria: Ambry Variant Classification Scheme 2023. Collection method: clinical testing. Allele origin: germline.

NM_019066.5(MAGEL2):c.674C>G (p.Pro225Arg)

Gene: MAGEL2 (MAGE family member L2; minus strand). Cytogenetic location: 15q11.2.
Variant type: single nucleotide variant.
Coding change: c.674C>G on transcript NM_019066.5 (MANE Select); coding-DNA position 674, C replaced by G.
Protein change: p.Pro225Arg; replaces proline 225 with arginine.
Molecular consequence: missense variant.
Genome position (GRCh38, 1-based): chr15:23,647,069, G>C on the plus strand (C>G on the coding strand, the complement: MAGEL2 is on the minus strand). VCF-style: chr15-23647069-G-C. GRCh37 (hg19) VCF-style: chr15-23892216-G-C.
Other names: short protein forms P225R.
Identifiers: ClinVar variation 2372167 (VCV002372167.8), dbSNP rs1025538343, ClinGen allele CA267661224.
Genomic context (GRCh38, chr15:23,647,069, plus strand): 5'-GGAGTCAGAGGCTGGGCCATCAGGACTCCCGGAGCTGGAGGCTGGGCCATCGGTGTACCC[G>C]GAGGGGGAGGATGAGCCATCGGTGTCCCCGGAGGTGGAGGATGAGCCATCGGTGTCCCCG-3'
Protein context (NP_061939.3, residues 215-235): PGTPMAHPPP[Pro225Arg]GTPMAQPPAP